The following is an entry in ClinVar:

ClinVar aggregate classification (germline): Pathogenic (1 of 4 stars; one submission).

Submission:

Labcorp Genetics (formerly Invitae), Labcorp
Classification: Pathogenic. Last evaluated: 2023-06-29. Review status: criteria provided, single submitter. Criteria: Invitae Variant Classification Sherloc (09022015). Collection method: clinical testing. Allele origin: unknown.
Comment: This variant is a gross deletion of the genomic region encompassing exon(s) 8 of the MSH3 gene. This deletion is out-of-frame, and is expected to create a premature termination codon and result in an absent or disrupted protein product. Loss-of-function variants in MSH3 are known to be pathogenic (PMID: 27476653). This variant has not been reported in the literature in individuals affected with MSH3-related conditions. For these reasons, this variant has been classified as Pathogenic.

Literature cited by the submitters: PubMed 27476653.

NC_000005.9:g.(?_79974736)_(79974922_?)del

Gene: MSH3 (mutS homolog 3; plus strand). Cytogenetic location: 5q14.1.
Variant type: Deletion.
Identifiers: ClinVar variation 3246486 (VCV003246486.1).